The following is an entry in ClinVar:

NM_016312.3(WBP11):c.1203G>C (p.Gln401His)

Gene: WBP11 (WW domain binding protein 11; minus strand). Cytogenetic location: 12p12.3.
Variant type: single nucleotide variant.
Coding change: c.1203G>C on transcript NM_016312.3 (MANE Select); coding-DNA position 1203, G replaced by C.
Protein change: p.Gln401His; replaces glutamine 401 with histidine.
Molecular consequence: missense variant.
Genome position (GRCh38, 1-based): chr12:14,790,562, C>G on the plus strand (G>C on the coding strand, the complement: WBP11 is on the minus strand). VCF-style: chr12-14790562-C-G. GRCh37 (hg19) VCF-style: chr12-14943496-C-G.
Other names: short protein forms Q401H.
Identifiers: ClinVar variation 2642759 (VCV002642759.24), dbSNP rs2498046422, ClinGen allele CA384009854.

ClinVar aggregate classification (germline): Uncertain significance (1 of 4 stars; one submission).

Allele frequency attached by ClinVar (database versions not stated): gnomAD exomes below 0.00001.
gnomAD v4.1: 2 of 1,613,966 alleles (0.00012%); highest among the groups gnomAD compares: Non-Finnish European, 0.00017%; no homozygotes.

Submission:

CeGaT Center for Human Genetics Tuebingen
Classification: Uncertain significance. Last evaluated: 2022-12-01. Review status: criteria provided, single submitter. Criteria: CeGaT Center For Human Genetics Tuebingen Variant Classification Criteria Version 2. Collection method: clinical testing. Allele origin: germline. Affected: yes. Observed: 1 variant allele.
Comment: WBP11: PM2